The following is an entry in ClinVar:

NM_007078.3(LDB3):c.447C>G (p.Pro149=)

Gene: LDB3 (LIM domain binding 3; plus strand). Cytogenetic location: 10q23.2.
Variant type: single nucleotide variant.
Coding change: c.447C>G on transcript NM_007078.3 (MANE Select); coding-DNA position 447, C replaced by G.
Protein change: p.Pro149=; no amino-acid change (proline 149 retained).
Molecular consequence: synonymous variant. On other transcripts: intron variant (5).
Genome position (GRCh38, 1-based): chr10:86,681,561, C>G. VCF-style: chr10-86681561-C-G. GRCh37 (hg19) VCF-style: chr10-88441318-C-G.
Other names: c.447C>G, p.Pro149= (NM_001080115.2, NM_001171610.2, NM_001171611.2 and 3 more transcripts); c.321+1404C>G (NM_001368068.1, NM_001368066.1, NM_001080114.2 and 2 more transcripts).
Identifiers: ClinVar variation 3047432 (VCV003047432.2), dbSNP rs1245240747, ClinGen allele CA470374295.

ClinVar aggregate classification (germline): Likely benign (0 of 4 stars; one submission).

Conditions:
LDB3-related disorder. Also called: LDB3-related condition.

gnomAD v4.1: 1 of 1,613,032 alleles (0.000062%); highest among the groups gnomAD compares: African/African-American, 0.0013%; no homozygotes.

Submission:

PreventionGenetics, part of Exact Sciences
Classification: Likely benign for LDB3-related condition. Last evaluated: 2022-06-23. Review status: no assertion criteria provided. Collection method: clinical testing. Allele origin: germline.
Comment: This variant is classified as likely benign based on ACMG/AMP sequence variant interpretation guidelines (Richards et al. 2015 PMID: 25741868, with internal and published modifications).